The following is an entry in ClinVar:

ClinVar aggregate classification (germline): Conflicting classifications of pathogenicity. Review status: criteria provided, conflicting classifications (1 of 4 stars). 5 submissions from 5 submitters: Uncertain significance (4); Benign (1). Last evaluated 2026-01-20.

Conditions:
Tuberous sclerosis 2 (TSC2). Identifiers: Orphanet 805, MedGen C1860707, MONDO:0013199, OMIM 613254.
Lymphangiomyomatosis (LAM). Also called: Lymphangioleiomyomatosis, somatic; Lymphangioleiomyomatosis. Identifiers: Orphanet 538, MedGen C0751674, MONDO:0011705, OMIM 606690.
Isolated focal cortical dysplasia type II (FCORD2). Also called: CORTICAL DYSPLASIA OF TAYLOR; Focal cortical dysplasia type II. Identifiers: Orphanet 268994, MedGen C1846385, MONDO:0011818, OMIM 607341, HP:0032051.
Hereditary cancer-predisposing syndrome. Also called: Neoplastic Syndromes, Hereditary; Hereditary Cancer Syndrome; Hereditary neoplastic syndrome; Tumor predisposition. Identifiers: Orphanet 140162, MedGen C0027672, MeSH D009386, MONDO:0015356.

Allele frequency attached by ClinVar (database versions not stated): gnomAD exomes below 0.00001 and 0.00001; gnomAD 0.00001; TOPMed 0.00001; ExAC 0.00003.
gnomAD v4.1: 4 of 1,612,992 alleles (0.00025%); highest among the groups gnomAD compares: Admixed American, 0.005%; no homozygotes.

Submissions (5):

Labcorp Genetics (formerly Invitae), Labcorp
Classification: Benign for Tuberous sclerosis 2. Last evaluated: 2026-01-20. Review status: criteria provided, single submitter. Criteria: Invitae Variant Classification Sherloc (09022015). Collection method: clinical testing. Allele origin: germline.

Ambry Genetics
Classification: Uncertain significance for Hereditary cancer-predisposing syndrome. Last evaluated: 2025-01-06. Review status: criteria provided, single submitter. Criteria: Ambry Variant Classification Scheme 2023. Collection method: clinical testing. Allele origin: germline.
Comment: The p.Q864H variant (also known as c.2592G>C), located in coding exon 22 of the TSC2 gene, results from a G to C substitution at nucleotide position 2592. The glutamine at codon 864 is replaced by histidine, an amino acid with highly similar properties. This amino acid position is highly conserved in available vertebrate species. In addition, this alteration is predicted to be deleterious by in silico analysis. Based on the available evidence, the clinical significance of this variant remains unclear.

Fulgent Genetics
Classification: Uncertain significance for Lymphangiomyomatosis; Isolated focal cortical dysplasia type II; Tuberous sclerosis 2. Last evaluated: 2024-02-06. Review status: criteria provided, single submitter. Criteria: ACMG Guidelines, 2015. Collection method: clinical testing. Allele origin: germline.

Genome-Nilou Lab
Classification: Uncertain significance for Tuberous sclerosis 2. Last evaluated: 2021-11-07. Review status: criteria provided, single submitter. Criteria: ACMG Guidelines, 2015. Collection method: clinical testing. Allele origin: germline. Affected: no.

GeneDx
Classification: Uncertain significance. Last evaluated: 2019-12-31. Review status: criteria provided, single submitter. Criteria: GeneDx Variant Classification Process June 2021. Collection method: clinical testing. Allele origin: germline. Affected: yes.
Comment: In silico analysis, which includes protein predictors and evolutionary conservation, supports a deleterious effect; Has not been previously published as pathogenic or benign to our knowledge

NM_000548.5(TSC2):c.2592G>C (p.Gln864His)

Gene: TSC2 (TSC complex subunit 2; plus strand). Cytogenetic location: 16p13.3.
Variant type: single nucleotide variant.
Coding change: c.2592G>C on transcript NM_000548.5 (MANE Select); coding-DNA position 2592, G replaced by C.
Protein change: p.Gln864His; replaces glutamine 864 with histidine.
Molecular consequence: missense variant.
Genome position (GRCh38, 1-based): chr16:2,075,845, G>C. VCF-style: chr16-2075845-G-C. GRCh37 (hg19) VCF-style: chr16-2125846-G-C.
Other names: c.2592G>C, p.Gln864His (NM_001077183.3, NM_001114382.3, NM_001363528.2 and 3 more transcripts); c.2481G>C, p.Gln827His (NM_001318827.2); c.2445G>C, p.Gln815His (NM_001318829.2); c.1992G>C, p.Gln664His (NM_001318831.2); c.2625G>C, p.Gln875His (NM_001318832.2); short protein forms Q664H, Q815H, Q827H, Q864H, Q875H.
Identifiers: ClinVar variation 644522 (VCV000644522.16), dbSNP rs763099064, ClinGen allele CA040176.